The following is an entry in ClinVar:

ClinVar aggregate classification (germline): Pathogenic/Likely pathogenic. Review status: criteria provided, multiple submitters, no conflicts (2 of 4 stars). 2 submissions from 2 submitters: Pathogenic (1); Likely pathogenic (1). Last evaluated 2023-03-22.

Conditions:
Hereditary diffuse gastric adenocarcinoma (HDGC). Also called: DIFFUSE GASTRIC AND LOBULAR BREAST CANCER SYNDROME. Identifiers: Orphanet 26106, MedGen C1708349, MONDO:0007648, OMIM 137215.
Familial cancer of breast. Also called: Hereditary breast cancer; hereditary breast carcinoma; BREAST CANCER, FAMILIAL. Identifiers: Orphanet 227535, MedGen C0346153, MONDO:0016419, OMIM 114480. Disease mechanism: loss of function.

Submissions (2):

Baylor Genetics
Classification: Likely pathogenic for Familial cancer of breast. Last evaluated: 2023-03-22. Review status: criteria provided, single submitter. Criteria: ACMG Guidelines, 2015. Collection method: clinical testing. Allele origin: unknown.

Labcorp Genetics (formerly Invitae), Labcorp
Classification: Pathogenic for Hereditary diffuse gastric adenocarcinoma. Last evaluated: 2022-12-20. Review status: criteria provided, single submitter. Criteria: Invitae Variant Classification Sherloc (09022015). Collection method: clinical testing. Allele origin: germline.
Comment: This sequence change creates a premature translational stop signal (p.Phe423Leufs*8) in the CDH1 gene. It is expected to result in an absent or disrupted protein product. Loss-of-function variants in CDH1 are known to be pathogenic (PMID: 15235021, 20373070). This variant is not present in population databases (gnomAD no frequency). This variant has not been reported in the literature in individuals affected with CDH1-related conditions. For these reasons, this variant has been classified as Pathogenic.

Literature cited by the submitters: PubMed 15235021 (cited by Labcorp Genetics (formerly Invitae), Labcorp); PubMed 20373070 (cited by Labcorp Genetics (formerly Invitae), Labcorp).

NM_004360.5(CDH1):c.1269del (p.Phe423fs)

Gene: CDH1 (cadherin 1; plus strand). Cytogenetic location: 16q22.1.
Variant type: Deletion.
Coding change: c.1269del on transcript NM_004360.5 (MANE Select); coding-DNA position 1269, one base deleted (T; older notation c.1269delT).
Protein change: p.Phe423fs; shifts the reading frame from phenylalanine 423.
Molecular consequence: frameshift variant. On other transcripts: 5 prime UTR variant (2), intron variant (1).
Genome position (GRCh38, 1-based): chr16:68,813,444, T deleted; the last of 3 consecutive T bases (chr16:68,813,442-68,813,444); deleting any one gives the same sequence. VCF-style (leftmost placement, unchanged base first): chr16-68813441-AT-A. GRCh37 (hg19) VCF-style: chr16-68847344-AT-A.
Other names: c.-347del (NM_001317185.2); c.-551del (NM_001317186.2); c.1137+1181del (NM_001317184.2); short protein forms F423fs.
Identifiers: ClinVar variation 2035493 (VCV002035493.5), dbSNP rs2543927013, ClinGen allele CA496393113.
Genomic context (GRCh38, chr16:68,813,441, plus strand): 5'-TGCCCCCAATACCCCAGCGTGGGAGGCTGTATACACCATATTGAATGATGATGGTGGACA[AT>A]TTGTCGTCACCACAAATCCAGTGAACAACGATGGCATTTTGAAAACAGCAAAGGTTTGTA-3'